The following is an entry in ClinVar:

ClinVar aggregate classification (germline): Uncertain significance (1 of 4 stars; one submission).

Submission:

Labcorp Genetics (formerly Invitae), Labcorp
Classification: Uncertain significance. Last evaluated: 2022-08-15. Review status: criteria provided, single submitter. Criteria: Invitae Variant Classification Sherloc (09022015). Collection method: clinical testing. Allele origin: germline.
Comment: This sequence change replaces valine, which is neutral and non-polar, with glutamic acid, which is acidic and polar, at codon 59 of the POC5 protein (p.Val59Glu). This variant is not present in population databases (gnomAD no frequency). This variant has not been reported in the literature in individuals affected with POC5-related conditions. Algorithms developed to predict the effect of missense changes on protein structure and function are either unavailable or do not agree on the potential impact of this missense change (SIFT: "Not Available"; PolyPhen-2: "Probably Damaging"; Align-GVGD: "Not Available"). In summary, the available evidence is currently insufficient to determine the role of this variant in disease. Therefore, it has been classified as a Variant of Uncertain Significance.

NM_001099271.2(POC5):c.176T>A (p.Val59Glu)

Gene: POC5 (POC5 centriolar protein; minus strand). Cytogenetic location: 5q13.3.
Variant type: single nucleotide variant.
Coding change: c.176T>A on transcript NM_001099271.2 (MANE Select); coding-DNA position 176, T replaced by A.
Protein change: p.Val59Glu; replaces valine 59 with glutamic acid.
Molecular consequence: missense variant.
Genome position (GRCh38, 1-based): chr5:75,707,784, A>T on the plus strand (T>A on the coding strand, the complement: POC5 is on the minus strand). VCF-style: chr5-75707784-A-T. GRCh37 (hg19) VCF-style: chr5-75003609-A-T.
Other names: c.101T>A, p.Val34Glu (NM_152408.3); short protein forms V59E, V34E.
Identifiers: ClinVar variation 2068775 (VCV002068775.4), dbSNP rs2478951380, ClinGen allele CA360150952.
Genomic context (GRCh38, chr5:75,707,784, plus strand): 5'-AAATATATATAACCTTGACTATGAAGAATATCATGAATTGTAGAAATTCTGACATCTGGC[A>T]CCAATTCTCCCTTAGGATGAGATGACTGTGAAGCACAGGGTTCAATATTTGGAGTCACTA-3'
Protein context (NP_001092741.1, residues 49-69): SQSSHPKGEL[Val59Glu]PDVRISTIHD